The following is an entry in ClinVar:

NM_007294.4(BRCA1):c.134+19T>A

Gene: BRCA1 (BRCA1 DNA repair associated; minus strand). Cytogenetic location: 17q21.31.
Variant type: single nucleotide variant.
Coding change: c.134+19T>A on transcript NM_007294.4 (MANE Select); 19 bases into the intron after coding-DNA position 134, T replaced by A.
Molecular consequence: intron variant.
Genome position (GRCh38, 1-based): chr17:43,115,707, A>T on the plus strand (T>A on the coding strand, the complement: BRCA1 is on the minus strand). VCF-style: chr17-43115707-A-T. GRCh37 (hg19) VCF-style: chr17-41267724-A-T.
Other names: c.-8+19T>A (NM_001408458.1, NM_001408470.1, NM_001407848.1 and 47 more transcripts); c.-219+9570T>A (NM_001407967.1); c.-170+9570T>A (NM_001407959.1); c.-7-9174T>A (NM_001407931.1, NM_001407747.1, NM_001408511.1 and 2 more transcripts); c.-170+19T>A (NM_001407962.1, NM_001408512.1, NM_001408510.1 and 1 more transcripts); c.-55+19T>A (NM_001407885.1, NM_001407886.1, NM_001408509.1 and 52 more transcripts); c.-124+19T>A (NM_001407746.1, NM_001408468.1, NM_001407842.1 and 13 more transcripts); c.-8+8310T>A (NM_001408461.1, NM_001407738.1, NM_001407932.1 and 23 more transcripts); and 10 more.
Identifiers: ClinVar variation 868192 (VCV000868192.3), dbSNP rs1060504590, ClinGen allele CA916080950.

Conditions:
Breast-ovarian cancer, familial, susceptibility to, 1 (BROVCA1). Also called: BRCA1 Hereditary Breast and Ovarian Cancer; OVARIAN CANCER, SUSCEPTIBILITY TO. Identifiers: Orphanet 145, MedGen C2676676, MONDO:0011450, OMIM 604370. Disease mechanism: loss of function.

Submission:

Brotman Baty Institute, University of Washington
No classification provided (evidence only). Condition: Breast-ovarian cancer, familial 1. Review status: no classification provided. Collection method: in vitro. Allele origin: not applicable. Functional consequence: functionally_normal.
ClinVar note: "not provided" was previously submitted as the classification for the variant. However, the classification appeared to be based only on an observation of functional data so it was converted to no classification on 2025-07-30.